The following is an entry in ClinVar:

NM_000843.4(GRM6):c.559T>C (p.Tyr187His)

Gene: GRM6 (glutamate metabotropic receptor 6; minus strand). Cytogenetic location: 5q35.3.
Variant type: single nucleotide variant.
Coding change: c.559T>C on transcript NM_000843.4 (MANE Select); coding-DNA position 559, T replaced by C.
Protein change: p.Tyr187His; replaces tyrosine 187 with histidine.
Molecular consequence: missense variant.
Genome position (GRCh38, 1-based): chr5:178,992,029, A>G on the plus strand (T>C on the coding strand, the complement: GRM6 is on the minus strand). VCF-style: chr5-178992029-A-G. GRCh37 (hg19) VCF-style: chr5-178419030-A-G.
Other names: c.559T>C (NM_000843.3); short protein forms Y187H.
Identifiers: ClinVar variation 1464195 (VCV001464195.10), dbSNP rs372470151, ClinGen allele CA3594492.

ClinVar aggregate classification (germline): Uncertain significance. Review status: criteria provided, multiple submitters, no conflicts (2 of 4 stars). 3 submissions from 3 submitters: Uncertain significance (3). Last evaluated 2023-08-15.

Conditions:
Inborn genetic diseases. Identifiers: MedGen C0950123, MeSH D030342.

Allele frequency attached by ClinVar (database versions not stated): ExAC 0.00001; gnomAD 0.00002; gnomAD exomes 0.00002; TOPMed 0.00002; ESP Exome Variant Server 0.00008.

Submissions (3):

Blueprint Genetics
Classification: Uncertain significance. Last evaluated: 2023-08-15. Review status: criteria provided, single submitter. Criteria: ACMG Guidelines, 2015. Collection method: clinical testing. Allele origin: germline.

Ambry Genetics
Classification: Uncertain significance for Inborn genetic diseases. Last evaluated: 2023-03-13. Review status: criteria provided, single submitter. Criteria: Ambry Variant Classification Scheme 2023. Collection method: clinical testing. Allele origin: germline.

Labcorp Genetics (formerly Invitae), Labcorp
Classification: Uncertain significance. Last evaluated: 2021-07-24. Review status: criteria provided, single submitter. Criteria: Invitae Variant Classification Sherloc (09022015). Collection method: clinical testing. Allele origin: germline.
Comment: Advanced modeling of protein sequence and biophysical properties (such as structural, functional, and spatial information, amino acid conservation, physicochemical variation, residue mobility, and thermodynamic stability) performed at Invitae indicates that this missense variant is expected to disrupt GRM6 protein function. This variant has not been reported in the literature in individuals affected with GRM6-related conditions. This variant is present in population databases (rs372470151, ExAC 0.002%). This sequence change replaces tyrosine with histidine at codon 187 of the GRM6 protein (p.Tyr187His). The tyrosine residue is highly conserved and there is a moderate physicochemical difference between tyrosine and histidine. In summary, the available evidence is currently insufficient to determine the role of this variant in disease. Therefore, it has been classified as a Variant of Uncertain Significance.